The following is an entry in ClinVar:

ClinVar aggregate classification (germline): Likely pathogenic (1 of 4 stars; one submission).

Conditions:
Neuronal ceroid lipofuscinosis 7 (CLN7). Also called: MFSD8-Related Neuronal Ceroid-Lipofuscinosis. Identifiers: Orphanet 168491, Orphanet 228366, MedGen C1838571, MONDO:0012588, OMIM 610951.

Allele frequency attached by ClinVar (database versions not stated): gnomAD exomes below 0.00001.
gnomAD v4.1: 1 of 1,611,788 alleles (0.000062%); highest among the groups gnomAD compares: Non-Finnish European, 0.000085%; no homozygotes.

Submission:

Labcorp Genetics (formerly Invitae), Labcorp
Classification: Likely pathogenic for Neuronal ceroid lipofuscinosis 7. Last evaluated: 2025-11-19. Review status: criteria provided, single submitter. Criteria: Invitae Variant Classification Sherloc (09022015). Collection method: clinical testing. Allele origin: germline.
Comment: This sequence change affects an acceptor splice site in intron 6 of the MFSD8 gene. It is expected to disrupt RNA splicing. Variants that disrupt the donor or acceptor splice site typically lead to a loss of protein function (PMID: 16199547), and loss-of-function variants in MFSD8 are known to be pathogenic (PMID: 19177532, 25227500, 28586915). This variant is not present in population databases (gnomAD no frequency). This variant has not been reported in the literature in individuals affected with MFSD8-related conditions. ClinVar contains an entry for this variant (Variation ID: 1519556). Algorithms developed to predict the effect of sequence changes on RNA splicing suggest that this variant may disrupt the consensus splice site. In summary, the currently available evidence indicates that the variant is pathogenic, but additional data are needed to prove that conclusively. Therefore, this variant has been classified as Likely Pathogenic.

Literature cited by the submitters: PubMed 16199547; PubMed 19177532; PubMed 25227500; PubMed 28586915.

NM_001371596.2(MFSD8):c.554-1G>C

Gene: MFSD8 (major facilitator superfamily domain containing 8; minus strand). Cytogenetic location: 4q28.2.
Variant type: single nucleotide variant.
Coding change: c.554-1G>C on transcript NM_001371596.2 (MANE Select); the canonical splice acceptor site of the intron before coding-DNA position 554, G replaced by C.
Molecular consequence: splice acceptor variant. On other transcripts: intron variant (5).
Genome position (GRCh38, 1-based): chr4:127,939,998, C>G on the plus strand (G>C on the coding strand, the complement: MFSD8 is on the minus strand). VCF-style: chr4-127939998-C-G. GRCh37 (hg19) VCF-style: chr4-128861153-C-G.
Other names: c.419-1G>C (NM_001371590.2); c.554-1G>C (NM_152778.4, NM_001371591.2); c.439+3754G>C (NM_001363521.3); c.440-1G>C (NM_001410766.1, NM_001371593.2); c.553+2047G>C (NM_001363520.3); c.554-1162G>C (NM_001371594.2); c.560-1G>C (NM_001371592.2); c.419-1162G>C (NM_001371595.1); and 1 more.
Identifiers: ClinVar variation 1519556 (VCV001519556.7), dbSNP rs773886985, ClinGen allele CA358175611.